The following is an entry in ClinVar:

ClinVar aggregate classification (germline): Benign/Likely benign. Review status: criteria provided, multiple submitters, no conflicts (2 of 4 stars). 5 submissions from 5 submitters: Benign (2); Likely benign (2). 1 of the submissions does not count toward it. Last evaluated 2026-09-01.

Conditions:
Finnish type amyloidosis. Also called: AMYLOID CRANIAL NEUROPATHY WITH LATTICE CORNEAL DYSTROPHY; AMYLOIDOSIS DUE TO MUTANT GELSOLIN; Lattice corneal dystrophy associated with familial systemic amyloidosis; Meretoja's syndrome; Lattice dystrophy of the cornea with hereditary generalized amyloidosis; Amyloidosis, familial, Finnish type. Identifiers: Orphanet 85448, MedGen C1622345, MONDO:0007097, OMIM 105120.
GSN-related disorder. Also called: GSN-related condition.

Allele frequency attached by ClinVar (database versions not stated): gnomAD exomes 0.00095; ExAC 0.00123; 1000 Genomes Project 30x 0.00344; 1000 Genomes Project 0.00359; gnomAD 0.00359; ESP Exome Variant Server 0.00361; TOPMed 0.00374.
gnomAD v4.1: 1,109 of 1,613,898 alleles (0.069%); highest among the groups gnomAD compares: African/African-American, 1.1%; 2 homozygotes.

Submissions (5):

CeGaT Center for Human Genetics Tuebingen
Classification: Likely benign. Last evaluated: 2026-09-01. Review status: criteria provided, single submitter. Criteria: CeGaT Center For Human Genetics Tuebingen Variant Classification Criteria Version 2. Collection method: clinical testing. Allele origin: germline. Affected: yes. Observed: 1 variant allele.
Comment: GSN: BS1

Labcorp Genetics (formerly Invitae), Labcorp
Classification: Benign. Last evaluated: 2026-02-02. Review status: criteria provided, single submitter. Criteria: Invitae Variant Classification Sherloc (09022015). Collection method: clinical testing. Allele origin: germline.

Blueprint Genetics
Classification: Likely benign. Last evaluated: 2024-11-11. Review status: criteria provided, single submitter. Criteria: ACMG Guidelines, 2015. Collection method: clinical testing. Allele origin: germline.

Illumina Laboratory Services, Illumina
Classification: Benign for Finnish type amyloidosis. Last evaluated: 2018-01-12. Review status: criteria provided, single submitter. Criteria: ICSL Variant Classification Criteria 13 December 2019. Collection method: clinical testing. Allele origin: germline.
Comment: This variant was observed in the ICSL laboratory as part of a predisposition screen in an ostensibly healthy population. It had not been previously curated by ICSL or reported in the Human Gene Mutation Database (HGMD: prior to June 1st, 2018), and was therefore a candidate for classification through an automated scoring system. Utilizing variant allele frequency, disease prevalence and penetrance estimates, and inheritance mode, an automated score was calculated to assess if this variant is too frequent to cause the disease. Based on the score and internal cut-off values, a variant classified as benign is not then subjected to further curation. The score for this variant resulted in a classification of benign for this disease.

PreventionGenetics, part of Exact Sciences
Classification: Benign for GSN-related condition. Last evaluated: 2024-01-17. Review status: no assertion criteria provided. Collection method: clinical testing. Allele origin: germline. Not counted in ClinVar's aggregate classification.
Comment: This variant is classified as benign based on ACMG/AMP sequence variant interpretation guidelines (Richards et al. 2015 PMID: 25741868, with internal and published modifications).

NM_198252.3(GSN):c.1850G>T (p.Arg617Leu)

Gene: GSN (gelsolin; plus strand). Cytogenetic location: 9q33.2.
Variant type: single nucleotide variant.
Coding change: c.1850G>T on transcript NM_198252.3 (MANE Select); coding-DNA position 1850, G replaced by T.
Protein change: p.Arg617Leu; replaces arginine 617 with leucine.
Molecular consequence: missense variant.
Genome position (GRCh38, 1-based): chr9:121,328,978, G>T. VCF-style: chr9-121328978-G-T. GRCh37 (hg19) VCF-style: chr9-124091256-G-T.
Other names: c.2003G>T, p.Arg668Leu (NM_000177.5); c.1850G>T, p.Arg617Leu (NM_001127662.2, NM_001127664.2, NM_001127665.2 and 10 more transcripts); c.1958G>T, p.Arg653Leu (NM_001127663.2); c.1883G>T, p.Arg628Leu (NM_001127666.2, NM_001127667.2, NM_001353063.2 and 13 more transcripts); c.1901G>T, p.Arg634Leu (NM_001258029.2); c.1874G>T, p.Arg625Leu (NM_001258030.2); c.1922G>T, p.Arg641Leu (NM_001353076.2); c.1196G>T, p.Arg399Leu (NM_001353078.2); short protein forms R399L, R628L, R634L, R653L, R617L, R625L, R641L, R668L.
Identifiers: ClinVar variation 717917 (VCV000717917.17), dbSNP rs9696578, ClinGen allele CA5221429.